The following is an entry in ClinVar:

NM_001040108.2(MLH3):c.4334A>T (p.Gln1445Leu)

Gene: MLH3 (mutL homolog 3; minus strand). Cytogenetic location: 14q24.3.
Variant type: single nucleotide variant.
Coding change: c.4334A>T on transcript NM_001040108.2 (MANE Select); coding-DNA position 4334, A replaced by T.
Protein change: p.Gln1445Leu; replaces glutamine 1445 with leucine.
Molecular consequence: missense variant.
Genome position (GRCh38, 1-based): chr14:75,017,110, T>A on the plus strand (A>T on the coding strand, the complement: MLH3 is on the minus strand). VCF-style: chr14-75017110-T-A. GRCh37 (hg19) VCF-style: chr14-75483813-T-A.
Other names: c.4262A>T, p.Gln1421Leu (NM_014381.3); short protein forms Q1421L, Q1445L.
Identifiers: ClinVar variation 3873481 (VCV003873481.1).

ClinVar aggregate classification (germline): Uncertain significance (1 of 4 stars; one submission).

Submission:

Ambry Genetics
Classification: Uncertain significance. Last evaluated: 2024-12-22. Review status: criteria provided, single submitter. Criteria: Ambry Variant Classification Scheme 2023. Collection method: clinical testing. Allele origin: germline.
Comment: The p.Q1445L variant (also known as c.4334A>T), located in coding exon 12 of the MLH3 gene, results from an A to T substitution at nucleotide position 4334. The glutamine at codon 1445 is replaced by leucine, an amino acid with dissimilar properties. This amino acid position is conserved. In addition, this alteration is predicted to be tolerated by in silico analysis. Based on the available evidence, the clinical significance of this variant remains unclear.